The following is an entry in ClinVar:

ClinVar aggregate classification (germline): Uncertain significance. Review status: criteria provided, multiple submitters, no conflicts (2 of 4 stars). 2 submissions from 2 submitters: Uncertain significance (2). Last evaluated 2017-12-09.

Conditions:
Familial thoracic aortic aneurysm and aortic dissection (TAAD). Also called: Thoracic aortic aneurysms and dissections. Identifiers: Orphanet 91387, MedGen C4707243, MONDO:0019625.

Submissions (2):

Labcorp Genetics (formerly Invitae), Labcorp
Classification: Uncertain significance for Familial thoracic aortic aneurysm and aortic dissection. Last evaluated: 2017-12-09. Review status: criteria provided, single submitter. Criteria: Invitae Variant Classification Sherloc (09022015). Collection method: clinical testing. Allele origin: germline.
Comment: This sequence change replaces asparagine with aspartic acid at codon 267 of the TGFBR1 protein (p.Asn267Asp). The asparagine residue is highly conserved and there is a small physicochemical difference between asparagine and aspartic acid. This variant is not present in population databases (ExAC no frequency). This variant has been reported in an individual affected with Loeys–Dietz syndrome (PMID: 24793577). ClinVar contains an entry for this variant (Variation ID: 165387). Algorithms developed to predict the effect of missense changes on protein structure and function do not agree on the potential impact of this missense change (SIFT: "Tolerated"; PolyPhen-2: "Probably Damaging"; Align-GVGD: "Class C0"). In summary, the available evidence is currently insufficient to determine the role of this variant in disease. Therefore, it has been classified as a Variant of Uncertain Significance.

Laboratory for Molecular Medicine, Mass General Brigham Personalized Medicine
Classification: Uncertain significance. Last evaluated: 2014-05-01. Review status: criteria provided, single submitter. Criteria: LMM Criteria. Collection method: clinical testing. Allele origin: germline. Observed: 2 variant alleles.
Comment: Variant classified as Uncertain Significance - Favor Pathogenic. A variant result ing in a different amino acid change at the same position (Asn267His) had previo usly been reported in one individual with clinical features of Loeys-Dietz syndr ome and was reported to segregate in two children, who also had similar clinical features (Matyas 2006). Computational prediction tools and conservation analyse s suggest that the Asn267Asp variant may impact the protein, though this informa tion is not predictive enough to determine pathogenicity. In summary, while the available data on the Asn267Asp variant is suspicious for it to be pathogenic, t he clinical significance of this variant is uncertain.

Literature cited by the submitters: PubMed 24793577 (cited by Labcorp Genetics (formerly Invitae), Labcorp); PubMed 16791849 (cited by Laboratory for Molecular Medicine, Mass General Brigham Personalized Medicine).

NM_004612.4(TGFBR1):c.799A>G (p.Asn267Asp)

Gene: TGFBR1 (transforming growth factor beta receptor 1; plus strand). Cytogenetic location: 9q22.33.
Variant type: single nucleotide variant.
Coding change: c.799A>G on transcript NM_004612.4 (MANE Select); coding-DNA position 799, A replaced by G.
Protein change: p.Asn267Asp; replaces asparagine 267 with aspartic acid.
Molecular consequence: missense variant.
Genome position (GRCh38, 1-based): chr9:99,138,083, A>G. VCF-style: chr9-99138083-A-G. GRCh37 (hg19) VCF-style: chr9-101900365-A-G.
Other names: c.568A>G, p.Asn190Asp (NM_001130916.3); c.811A>G, p.Asn271Asp (NM_001306210.2); short protein forms N267D, N190D, N271D.
Identifiers: ClinVar variation 165387 (VCV000165387.13), dbSNP rs727503471, ClinGen allele CA008868.
Genomic context (GRCh38, chr9:99,138,083, plus strand): 5'-GAGATTTATCAAACTGTAATGTTACGTCATGAAAACATCCTGGGATTTATAGCAGCAGAC[A>G]ATAAAGGTCTGTAACATTTGCTTTTCCTTATGTTATATATAACAAGATCTCTTTAAGTCT-3'
Protein context (NP_004603.1, residues 257-277): ENILGFIAAD[Asn267Asp]KDNGTWTQLW